The following is an entry in ClinVar:

ClinVar aggregate classification (germline): Likely pathogenic (1 of 4 stars; one submission).

Conditions:
Myofibrillar myopathy 8. Identifiers: MedGen C4310645, MONDO:0014993, OMIM 617258.

Submission:

Juno Genomics, Hangzhou Juno Genomics, Inc
Classification: Likely pathogenic for Myofibrillar myopathy 8. Review status: criteria provided, single submitter. Criteria: ACMG Guidelines, 2015. Collection method: clinical testing. Allele origin: germline.
Comment: Absent from controls (or at extremely low frequency if recessive) in Genome Aggregation Database.;Null variant in a gene where loss of function (LOF) is a known mechanism of disease.

NM_024854.5(PYROXD1):c.365del (p.Cys122fs)

Gene: PYROXD1 (pyridine nucleotide-disulphide oxidoreductase domain 1; plus strand). Cytogenetic location: 12p12.1.
Variant type: Deletion.
Coding change: c.365del on transcript NM_024854.5 (MANE Select); coding-DNA position 365, one base deleted (G; older notation c.365delG).
Protein change: p.Cys122fs; shifts the reading frame from cysteine 122.
Molecular consequence: frameshift variant. On other transcripts: 5 prime UTR variant (1).
Genome position (GRCh38, 1-based): chr12:21,449,642, G deleted. VCF-style (leftmost placement, unchanged base first): chr12-21449641-TG-T. GRCh37 (hg19) VCF-style: chr12-21602575-TG-T.
Other names: c.152del, p.Cys51fs (NM_001350912.2); c.-339del (NM_001350913.2); short protein forms C122fs, C51fs.
Identifiers: ClinVar variation 5019492 (VCV005019492.2).